The following is an entry in ClinVar:

ClinVar aggregate classification (germline): Conflicting classifications of pathogenicity. Review status: criteria provided, conflicting classifications (1 of 4 stars). 2 submissions from 2 submitters: Uncertain significance (1); Likely benign (1). Last evaluated 2026-04-20.

Conditions:
GLB1-related disorder. Also called: GLB1-related disorders. Identifiers: MedGen CN377807.
GM1 gangliosidosis. Identifiers: Orphanet 354, MedGen C0085131, MONDO:0018149.
Mucopolysaccharidosis, MPS-IV-B (MPS4B). Also called: Mucopolysaccharidosis type 4B; Mucopolysaccharidosis Type IVB; Mucopolysaccharidosis type IV B; Mucopolysaccharidosis type IVB (Morquio); MPS IVB; MORQUIO SYNDROME B. Identifiers: Orphanet 309310, Orphanet 582, MedGen C0086652, MONDO:0009660, OMIM 253010.

Allele frequency attached by ClinVar (database versions not stated): gnomAD exomes 0.00006; ExAC 0.00007; ESP Exome Variant Server 0.00016; gnomAD 0.00018.
gnomAD v4.1: 64 of 1,614,056 alleles (0.004%); highest among the groups gnomAD compares: African/African-American, 0.044%; no homozygotes.

Submissions (2):

PreventionGenetics, part of Exact Sciences
Classification: Uncertain significance for GLB1-related condition. Last evaluated: 2026-04-20. Review status: criteria provided, single submitter. Criteria: ACMG Guidelines, 2015. Collection method: clinical testing. Allele origin: germline.
Comment: The GLB1 c.782A>G variant is predicted to result in the amino acid substitution p.Lys261Arg. To our knowledge, this variant has not been reported in the literature. This variant is reported in 0.058% of alleles in individuals of African descent in gnomAD. Although we suspect that this variant may be benign, at this time, the clinical significance of this variant is uncertain due to the absence of conclusive functional and genetic evidence.

Labcorp Genetics (formerly Invitae), Labcorp
Classification: Likely benign for Mucopolysaccharidosis, MPS-IV-B; GM1 gangliosidosis. Last evaluated: 2026-01-27. Review status: criteria provided, single submitter. Criteria: Invitae Variant Classification Sherloc (09022015). Collection method: clinical testing. Allele origin: germline.

NM_000404.4(GLB1):c.782A>G (p.Lys261Arg)

Gene: GLB1 (galactosidase beta 1; minus strand). Cytogenetic location: 3p22.3.
Variant type: single nucleotide variant.
Coding change: c.782A>G on transcript NM_000404.4 (MANE Select); coding-DNA position 782, A replaced by G.
Protein change: p.Lys261Arg; replaces lysine 261 with arginine.
Molecular consequence: missense variant.
Genome position (GRCh38, 1-based): chr3:33,053,501, T>C on the plus strand (A>G on the coding strand, the complement: GLB1 is on the minus strand). VCF-style: chr3-33053501-T-C. GRCh37 (hg19) VCF-style: chr3-33094993-T-C.
Other names: c.692A>G, p.Lys231Arg (NM_001079811.3); c.389A>G, p.Lys130Arg (NM_001135602.3); c.926A>G, p.Lys309Arg (NM_001317040.2); c.782A>G (NM_000404.3); short protein forms K130R, K231R, K261R, K309R.
Identifiers: ClinVar variation 1105606 (VCV001105606.9), dbSNP rs200050465, ClinGen allele CA2299602.